The following is an entry in ClinVar:

ClinVar aggregate classification (germline): Benign/Likely benign. Review status: criteria provided, multiple submitters, no conflicts (2 of 4 stars). 3 submissions from 3 submitters: Benign (1); Likely benign (2). Last evaluated 2025-10-06.

Conditions:
COL8A2-related disorder. Also called: COL8A2-related condition.

Allele frequency attached by ClinVar (database versions not stated): ESP Exome Variant Server 0.00079; gnomAD 0.00089 and 0.00090; TOPMed 0.00093; 1000 Genomes Project 0.00100; gnomAD exomes 0.00117; 1000 Genomes Project 30x 0.00125; ExAC 0.00190.
gnomAD v4.1: 2,001 of 1,558,422 alleles (0.13%); highest among the groups gnomAD compares: Admixed American, 0.15%; 4 homozygotes.

Submissions (3):

Labcorp Genetics (formerly Invitae), Labcorp
Classification: Likely benign. Last evaluated: 2025-10-06. Review status: criteria provided, single submitter. Criteria: Invitae Variant Classification Sherloc (09022015). Collection method: clinical testing. Allele origin: germline.

PreventionGenetics, part of Exact Sciences
Classification: Likely benign for COL8A2-related condition. Last evaluated: 2025-09-04. Review status: criteria provided, single submitter. Criteria: ACMG Guidelines, 2015. Collection method: clinical testing. Allele origin: germline.
Comment: This variant is classified as likely benign based on ACMG/AMP sequence variant interpretation guidelines (Richards et al. 2015 PMID: 25741868, with internal and published modifications).

CeGaT Center for Human Genetics Tuebingen
Classification: Benign. Last evaluated: 2024-02-01. Review status: criteria provided, single submitter. Criteria: CeGaT Center For Human Genetics Tuebingen Variant Classification Criteria Version 2. Collection method: clinical testing. Allele origin: germline. Affected: yes. Observed: 1 variant allele.
Comment: COL8A2: BP4, BS1, BS2

NM_005202.4(COL8A2):c.1301G>A (p.Arg434His)

Gene: COL8A2 (collagen type VIII alpha 2 chain; minus strand). Cytogenetic location: 1p34.3.
Variant type: single nucleotide variant.
Coding change: c.1301G>A on transcript NM_005202.4 (MANE Select); coding-DNA position 1301, G replaced by A.
Protein change: p.Arg434His; replaces arginine 434 with histidine.
Molecular consequence: missense variant.
Genome position (GRCh38, 1-based): chr1:36,098,380, C>T on the plus strand (G>A on the coding strand, the complement: COL8A2 is on the minus strand). VCF-style: chr1-36098380-C-T. GRCh37 (hg19) VCF-style: chr1-36563981-C-T.
Other names: c.1106G>A, p.Arg369His (NM_001294347.2); c.1301G>A (NM_005202.3); short protein forms R369H, R434H.
Identifiers: ClinVar variation 1146060 (VCV001146060.32), dbSNP rs201235688, ClinGen allele CA764966.